The following is an entry in ClinVar:

ClinVar aggregate classification (germline): Uncertain significance (1 of 4 stars; one submission).

Allele frequency attached by ClinVar (database versions not stated): gnomAD exomes 0.00001.
gnomAD v4.1: 8 of 1,613,738 alleles (0.0005%); highest among the groups gnomAD compares: Non-Finnish European, 0.00059%; no homozygotes.

Submission:

Labcorp Genetics (formerly Invitae), Labcorp
Classification: Uncertain significance. Last evaluated: 2022-03-23. Review status: criteria provided, single submitter. Criteria: Invitae Variant Classification Sherloc (09022015). Collection method: clinical testing. Allele origin: germline.
Comment: This sequence change replaces arginine, which is basic and polar, with lysine, which is basic and polar, at codon 205 of the TUBGCP6 protein (p.Arg205Lys). This variant is present in population databases (no rsID available, gnomAD 0.0009%). This variant has not been reported in the literature in individuals affected with TUBGCP6-related conditions. Algorithms developed to predict the effect of missense changes on protein structure and function output the following: SIFT: "Tolerated"; PolyPhen-2: "Benign"; Align-GVGD: "Class C0". The lysine amino acid residue is found in multiple mammalian species, which suggests that this missense change does not adversely affect protein function. In summary, the available evidence is currently insufficient to determine the role of this variant in disease. Therefore, it has been classified as a Variant of Uncertain Significance.

NM_020461.4(TUBGCP6):c.614G>A (p.Arg205Lys)

Gene: TUBGCP6 (tubulin gamma complex component 6; minus strand). Cytogenetic location: 22q13.33.
Variant type: single nucleotide variant.
Coding change: c.614G>A on transcript NM_020461.4 (MANE Select); coding-DNA position 614, G replaced by A.
Protein change: p.Arg205Lys; replaces arginine 205 with lysine.
Molecular consequence: missense variant.
Genome position (GRCh38, 1-based): chr22:50,243,846, C>T on the plus strand (G>A on the coding strand, the complement: TUBGCP6 is on the minus strand). VCF-style: chr22-50243846-C-T. GRCh37 (hg19) VCF-style: chr22-50682275-C-T.
Other names: short protein forms R205K.
Identifiers: ClinVar variation 1956031 (VCV001956031.2), dbSNP rs1479345614, ClinGen allele CA412114768.
Genomic context (GRCh38, chr22:50,243,846, plus strand): 5'-TCATAAGTGCGGCTGTGCACAAGGGCCCCGAAGAGCGAGACCCGGGTGTCTCTCTCGAAC[C>T]TGTCACCACAAGGGTCACCAAATGAGAAGAGCCCGACGGTGGGCAGGCCAGTGCCTGGAG-3'
Protein context (NP_065194.3, residues 195-215): LFSFGDPCGD[Arg205Lys]FERDTRVSLF